The following is an entry in ClinVar:

ClinVar aggregate classification (germline): Pathogenic/Likely pathogenic. Review status: criteria provided, multiple submitters, no conflicts (2 of 4 stars). 41 submissions from 41 submitters: Pathogenic (34); Likely pathogenic (2). 5 of the submissions do not count toward it. Last evaluated 2026-04-24.

Conditions:
Cardiovascular phenotype. Identifiers: MedGen CN230736.
MYBPC3-related disorder. Also called: MYBPC3-related condition; MYBPC3-related disease; MYBPC3-related disorders.
MYBPC3-related cardiomyopathies.
Left ventricular noncompaction 10 (LVNC10). Identifiers: Orphanet 154, Orphanet 54260, MedGen C3715165, MONDO:0014163, OMIM 615396.
Hypertrophic cardiomyopathy 4. Also called: Familial hypertrophic cardiomyopathy 4. Identifiers: MedGen C1861862, MONDO:0007268, OMIM 115197.
Cardiomyopathy (CMYO). Also called: Cardiomyopathies. Identifiers: Orphanet 167848, MedGen C0878544, MONDO:0004994, HP:0001638. Inheritance: Various modes of inheritance.
Hypertrophic cardiomyopathy 1 (CMH1). Also called: Familial hypertrophic cardiomyopathy 1; MYH7-Related Familial Hypertrophic Cardiomyopathy. Identifiers: MedGen C3495498, MONDO:0008647, OMIM 192600.
Primary familial hypertrophic cardiomyopathy (HCM). Identifiers: Orphanet 99739, MedGen C0949658, MeSH D024741, MONDO:0024573. Inheritance: Various modes of inheritance.
Hypertrophic cardiomyopathy. Also called: HYPERTROPHIC MYOCARDIOPATHY. Identifiers: Orphanet 217569, MedGen C0007194, MeSH D002312, MONDO:0005045, HP:0001639.

Allele frequency attached by ClinVar (database versions not stated): TOPMed 0.00008; ExAC 0.00002; ESP Exome Variant Server 0.00008; gnomAD exomes 0.00015 and 0.00004; gnomAD 0.00010 and 0.00009.
gnomAD v4.1: 233 of 1,613,896 alleles (0.014%); highest among the groups gnomAD compares: Non-Finnish European, 0.019%; no homozygotes.

Submissions 1 to 6 of 41:

PreventionGenetics, part of Exact Sciences
Classification: Pathogenic for MYBPC3-related condition. Last evaluated: 2026-04-24. Review status: criteria provided, single submitter. Criteria: ACMG Guidelines, 2015. Collection method: clinical testing. Allele origin: germline.
Comment: The MYBPC3 c.1504C>T variant is predicted to result in the amino acid substitution p.Arg502Trp. This variant has repeatedly been reported to segregate with disease in the heterozygous state in multiple unrelated families with hypertrophic cardiomyopathy (Richard et al. 2003. PubMed ID: 12707239; Supplementary Material, Saltzman et al. 2010. PubMed ID: 20378854). This variant is reported in 0.0078% of alleles in individuals of European (Non-Finnish) descent in gnomAD, and is classified as likely pathogenic/pathogenic in ClinVar (Variation ID: 42540). Alternative amino acid substitutions affecting the same amino acid (p.Arg502Gly, p.Arg502Gln, p.Arg502Leu) have also been reported in individuals with hypertrophic cardiomyopathy (Human Gene Mutation Database). Based on the available evidence, we interpret the MYBPC3 c.1504C>T (p.Arg502Trp) variant to be pathogenic.

Victorian Clinical Genetics Services, Murdoch Childrens Research Institute
Classification: Pathogenic for Hypertrophic cardiomyopathy 4. Last evaluated: 2026-03-04. Review status: criteria provided, single submitter. Criteria: ACMG Guidelines, 2015. Collection method: clinical testing. Allele origin: germline.
Comment: This variant is classified as Pathogenic. Evidence in support of pathogenic classification: Variant is present in gnomAD <0.01 (v4: 233 heterozygotes, 0 homozygotes); This variant has very strong previous evidence of pathogenicity in unrelated individuals. This is one of the most common disease causing variants observed in individuals with hypertrophic cardiomyopathy (ClinVar, PMIDs: 25634555, 32841044); Missense variant predicted to be damaging by in silico tool(s) or highly conserved with a major amino acid change. Additional information: Variant is predicted to result in a missense amino acid change from arginine to tryptophan; This variant is heterozygous; This gene is associated with both recessive and dominant disease. Dominant inheritance is frequently reported in adult onset conditions and recessive inheritance results in a more severe early onset phenotype (OMIM). Association to recessive disease is currently rated as limited by ClinGen; Variant is located in the annotated immunoglobulin I-set domain (DECIPHER); Loss of function is a known mechanism of disease in this gene and is associated with hypertrophic cardiomyopathy 4 (HCM; MIM#115197); Variants in this gene are known to have variable expressivity (PMID: 32841044).

Labcorp Genetics (formerly Invitae), Labcorp
Classification: Pathogenic for Hypertrophic cardiomyopathy. Last evaluated: 2026-02-02. Review status: criteria provided, single submitter. Criteria: Invitae Variant Classification Sherloc (09022015). Collection method: clinical testing. Allele origin: germline.
Comment: This sequence change replaces arginine, which is basic and polar, with tryptophan, which is neutral and slightly polar, at codon 502 of the MYBPC3 protein (p.Arg502Trp). This variant is present in population databases (rs375882485, gnomAD 0.01%). This missense change has been observed in individuals with hypertrophic cardiomyopathy (PMID: 12707239, 20378854, 22267749, 23396983). It has also been observed to segregate with disease in related individuals. ClinVar contains an entry for this variant (Variation ID: 42540). An algorithm developed to predict the effect of missense changes on protein structure and function (PolyPhen-2) suggests that this variant is likely to be disruptive. This variant disrupts the p.Arg502 amino acid residue in MYBPC3. Other variant(s) that disrupt this residue have been determined to be pathogenic (PMID: 9562578, 22386539). This suggests that this residue is clinically significant, and that variants that disrupt this residue are likely to be disease-causing. For these reasons, this variant has been classified as Pathogenic.

CeGaT Center for Human Genetics Tuebingen
Classification: Pathogenic. Last evaluated: 2025-11-01. Review status: criteria provided, single submitter. Criteria: CeGaT Center For Human Genetics Tuebingen Variant Classification Criteria Version 2. Collection method: clinical testing. Allele origin: germline. Affected: yes. Observed: 5 variant alleles.
Comment: MYBPC3: PP1:Strong, PS4, PM1, PM5, PM2:Supporting, PS3:Supporting

Variantyx, Inc.
Classification: Pathogenic for Hypertrophic cardiomyopathy 4. Last evaluated: 2025-03-17. Review status: criteria provided, single submitter. Criteria: Variantyx Assertion Criteria 2022. Collection method: clinical testing. Allele origin: germline.
Comment: This is a nonsynonymous variant in the MYBPC3 gene (OMIM: 600958). Pathogenic variants in this gene have been associated with autosomal dominant hypertrophic cardiomyopathy 4. This variant has been observed to segregate with disease in at least 10 individuals from 8 families (PMID: 20378854, 23642604) (PP1_Strong). Functional studies have shown that this variant alters MYBPC3 protein function (PMID: 30554920, 25058872) (PS3). An alternate amino acid change at this position (p.Arg502Gln) has been previously reported in similarly affected individuals, which suggests that this residue is biologically important (PMID: 20433692, 22112859) (PM5). Computational algorithms produce conflicting evidence regarding the predicted functional impact of this variant (REVEL score: 0.64). This variant has a 0.0186% maximum allele frequency in non-founder control populations. Based on the current evidence, this variant is classified as pathogenic for autosomal dominant hypertrophic cardiomyopathy 4.

ARUP Laboratories, Molecular Genetics and Genomics, ARUP Laboratories
Classification: Pathogenic. Last evaluated: 2025-03-05. Review status: criteria provided, single submitter. Criteria: ARUP Molecular Germline Variant Investigation Process 2024. Collection method: clinical testing. Allele origin: germline.
Comment: The MYBPC3 c.1504C>T; p.Arg502Trp variant (rs375882485) is reported in the literature in numerous individuals affected with hypertrophic cardiomyopathy and has been reported to segregate with disease in multiple families (Camuglia 2013, Kaski 2012, Lopes 2012, Maron 2008, Richard 2003, Saltzman 2010, Walsh 2014). This variant is found in the general population with an overall allele frequency of 0.005% (13/280,632 alleles) in the Genome Aggregation Database (v2.1.1). Computational analyses are uncertain whether this variant is neutral or deleterious (REVEL: 0.64). However, functional analyses suggest the variant protein has impaired interaction with sarcomeric binding partner proteins (Zhang 2014). Based on available information, this variant is considered to be pathogenic. References: Camuglia AC et al Cardiac myosin-binding protein C gene mutation expressed as hypertrophic cardiomyopathy and left ventricular noncompaction within two families: insights from cardiac magnetic resonance in clinical screening: Camuglia MYBPC3 gene mutation and MRI. Int J Cardiol. 2013 Oct 3;168(3):2950-2. PMID: 23642604. Kaski JP et al. Prevalence of sequence variants in the RAS-mitogen activated protein kinase signaling pathway in pre-adolescent children with hypertrophic cardiomyopathy. Circ Cardiovasc Genet. 2012 Jun;5(3):317-26. PMID: 22589294. Lopes LR et al. Genetic complexity in hypertrophic cardiomyopathy revealed by high-throughput sequencing. J Med Genet. 2013 Apr;50(4):228-39. PMID: 23396983. Maron MS et al. Prevalence, clinical significance, and natural history of left ventricular apical aneurysms in hypertrophic cardiomyopathy. Circulation. 2008 Oct 7;118(15):1541-9. PMID: 18809796. Richard P et al. Hypertrophic cardiomyopathy: distribution of disease genes, spectrum of mutations, and implications for a molecular diagnosis strategy. Circulation. 2003 May 6;107(17):2227-32. PMID: 12707239. Saltzman AJ et al. Short communication: the cardiac myosin binding protein C Arg502Trp mutation: a common cause of hypertrophic cardiomyopathy. Circ Res. 2010 May 14;106(9):1549-52. PMID: 20378854. Walsh R et al. Reassessment of Mendelian gene pathogenicity using 7,855 cardiomyopathy cases and 60,706 reference samples. Genet Med. 2017 Feb;19(2):192-203. PMID: 27532257. Zhang XL et al. Structural characterization of the C3 domain of cardiac myosin binding protein C and its hypertrophic cardiomyopathy-related R502W mutant. Biochemistry. 2014 Aug 19;53(32):5332-42. PMID: 25058872.

NM_000256.3(MYBPC3):c.1504C>T (p.Arg502Trp)

Gene: MYBPC3 (myosin binding protein C3; minus strand). Cytogenetic location: 11p11.2.
Variant type: single nucleotide variant.
Coding change: c.1504C>T on transcript NM_000256.3 (MANE Select); coding-DNA position 1504, C replaced by T.
Protein change: p.Arg502Trp; replaces arginine 502 with tryptophan.
Molecular consequence: missense variant.
Genome position (GRCh38, 1-based): chr11:47,342,698, G>A on the plus strand (C>T on the coding strand, the complement: MYBPC3 is on the minus strand). VCF-style: chr11-47342698-G-A. GRCh37 (hg19) VCF-style: chr11-47364249-G-A.
Other names: p.R502W:CGG>TGG; short protein forms R502W.
Identifiers: ClinVar variation 42540 (VCV000042540.115), dbSNP rs375882485, ClinGen allele CA010493.